The following is an entry in ClinVar:

ClinVar aggregate classification (germline): Uncertain significance (1 of 4 stars; one submission).

Submission:

ISCA site 15
Classification: Uncertain significance. Last evaluated: 2011-08-12. Review status: criteria provided, single submitter. Criteria: Kaminsky et al. (Genet Med. 2011). Collection method: clinical testing. Allele origin: paternal. Affected: yes. Observed: 1 variant allele.
Comment: Copy number variation identified through the course of routine clinical cytogenomic testing in postnatal populations. Clinical assertions have been curated as described in Kaminsky et al. 2011.

GRCh38/hg38 2q12.2-12.3(chr2:105828398-108080417)x3

Genes: CD8B2 (CD8B family member 2; plus strand), ECRG4 (ECRG4 augurin precursor; plus strand), GACAT1 (gastric cancer associated transcript 1; plus strand), LINC01593 (long intergenic non-protein coding RNA 1593; minus strand), LINC01789 (long intergenic non-protein coding RNA 1789; minus strand) and 30 more. Cytogenetic location: 2q12.2-12.3.
Variant type: copy number gain.
Change: copy number 3 (three copies instead of two) of chr2:105,828,398-108,080,417 (2.25 Mb, GRCh38 coordinates, 1-based), cytogenetic band 2q12.2-12.3.
Identifiers: ClinVar variation 58900 (VCV000058900.1).